The following is an entry in ClinVar:

NM_003628.6(PKP4):c.2524A>T (p.Thr842Ser)

Genes: PKP4 (plakophilin 4; plus strand), PKP4-AS1 (PKP4 antisense RNA 1; minus strand). Cytogenetic location: 2q24.1.
Variant type: single nucleotide variant.
Coding change: c.2524A>T on transcript NM_003628.6 (MANE Select); coding-DNA position 2524, A replaced by T.
Protein change: p.Thr842Ser; replaces threonine 842 with serine.
Molecular consequence: missense variant.
Genome position (GRCh38, 1-based): chr2:158,663,392, A>T. VCF-style: chr2-158663392-A-T. GRCh37 (hg19) VCF-style: chr2-159519904-A-T.
Other names: c.2524A>T, p.Thr842Ser (NM_001005476.4, NM_001304971.2, NM_001377218.1 and 1 more transcripts); c.2521A>T, p.Thr841Ser (NM_001304969.3, NM_001377219.1, NM_001377220.1 and 2 more transcripts); c.1495A>T, p.Thr499Ser (NM_001304970.3); c.2518A>T, p.Thr840Ser (NM_001377222.1, NM_001377223.1); c.2515A>T, p.Thr839Ser (NM_001377224.1); short protein forms T841S, T839S, T842S, T499S, T840S.
Identifiers: ClinVar variation 2625289 (VCV002625289.2), dbSNP rs752795239, ClinGen allele CA348903251.

ClinVar aggregate classification (germline): Uncertain significance (1 of 4 stars; one submission).

Submission:

Ambry Genetics
Classification: Uncertain significance. Last evaluated: 2023-07-23. Review status: criteria provided, single submitter. Criteria: Ambry Variant Classification Scheme 2023. Collection method: clinical testing. Allele origin: germline.
Comment: The p.T842S variant (also known as c.2524A>T), located in coding exon 14 of the PKP4 gene, results from an A to T substitution at nucleotide position 2524. The threonine at codon 842 is replaced by serine, an amino acid with similar properties. This amino acid position is conserved. In addition, this alteration is predicted to be deleterious by in silico analysis. Since supporting evidence is limited at this time, the clinical significance of this alteration remains unclear.